The following is an entry in ClinVar:

NM_000334.4(SCN4A):c.4455C>T (p.Ile1485=)

Genes: GH-LCR (growth hormone locus control region; plus strand), SCN4A (sodium voltage-gated channel alpha subunit 4; minus strand). Cytogenetic location: 17q23.3.
Variant type: single nucleotide variant.
Coding change: c.4455C>T on transcript NM_000334.4 (MANE Select); coding-DNA position 4455, C replaced by T.
Protein change: p.Ile1485=; no amino-acid change (isoleucine 1485 retained).
Molecular consequence: synonymous variant.
Genome position (GRCh38, 1-based): chr17:63,941,827, G>A on the plus strand (C>T on the coding strand, the complement: SCN4A is on the minus strand). VCF-style: chr17-63941827-G-A. GRCh37 (hg19) VCF-style: chr17-62019187-G-A.
Identifiers: ClinVar variation 3717981 (VCV003717981.3).

ClinVar aggregate classification (germline): Likely benign. Review status: criteria provided, multiple submitters, no conflicts (2 of 4 stars). 2 submissions from 2 submitters: Likely benign (2). Last evaluated 2025-08-21.

Conditions:
SCN4A-related disorder. Also called: SCN4A-related disorders.
Hyperkalemic periodic paralysis. Also called: Familial hyperkalemic periodic paralysis; Gamstorp disease. Identifiers: Orphanet 682, MedGen C0238357, MONDO:0008224, OMIM 170500, HP:0007215.

Submissions (2):

Labcorp Genetics (formerly Invitae), Labcorp
Classification: Likely benign for Hyperkalemic periodic paralysis. Last evaluated: 2025-08-21. Review status: criteria provided, single submitter. Criteria: Invitae Variant Classification Sherloc (09022015). Collection method: clinical testing. Allele origin: germline.

PreventionGenetics, part of Exact Sciences
Classification: Likely benign for SCN4A-related condition. Last evaluated: 2025-02-14. Review status: criteria provided, single submitter. Criteria: ACMG Guidelines, 2015. Collection method: clinical testing. Allele origin: germline.
Comment: This variant is classified as likely benign based on ACMG/AMP sequence variant interpretation guidelines (Richards et al. 2015 PMID: 25741868, with internal and published modifications).